The following is an entry in ClinVar:

NM_024735.5(FBXO31):c.412C>T (p.Leu138=)

Gene: FBXO31 (F-box protein 31; minus strand). Cytogenetic location: 16q24.2.
Variant type: single nucleotide variant.
Coding change: c.412C>T on transcript NM_024735.5 (MANE Select); coding-DNA position 412, C replaced by T.
Protein change: p.Leu138=; no amino-acid change (leucine 138 retained).
Molecular consequence: synonymous variant. On other transcripts: 5 prime UTR variant (1).
Genome position (GRCh38, 1-based): chr16:87,360,295, G>A on the plus strand (C>T on the coding strand, the complement: FBXO31 is on the minus strand). VCF-style: chr16-87360295-G-A. GRCh37 (hg19) VCF-style: chr16-87393901-G-A.
Other names: c.-105C>T (NM_001282683.2).
Identifiers: ClinVar variation 1955327 (VCV001955327.5), dbSNP rs1467886168, ClinGen allele CA496876639.

ClinVar aggregate classification (germline): Uncertain significance (1 of 4 stars; one submission).

Allele frequency attached by ClinVar (database versions not stated): gnomAD 0.00001; gnomAD exomes 0.00001; TOPMed 0.00001.
gnomAD v4.1: 11 of 1,613,890 alleles (0.00068%); highest among the groups gnomAD compares: Middle Eastern, 0.017%; no homozygotes.

Submission:

Labcorp Genetics (formerly Invitae), Labcorp
Classification: Uncertain significance. Last evaluated: 2021-12-25. Review status: criteria provided, single submitter. Criteria: Invitae Variant Classification Sherloc (09022015). Collection method: clinical testing. Allele origin: germline.
Comment: In summary, the available evidence is currently insufficient to determine the role of this variant in disease. Therefore, it has been classified as a Variant of Uncertain Significance. Algorithms developed to predict the effect of sequence changes on RNA splicing suggest that this variant may disrupt the consensus splice site. This sequence change affects codon 138 of the FBXO31 mRNA. It is a 'silent' change, meaning that it does not change the encoded amino acid sequence of the FBXO31 protein. It affects a nucleotide within the consensus splice site. This variant is present in population databases (no rsID available, gnomAD 0.003%). This variant has not been reported in the literature in individuals affected with FBXO31-related conditions.